The following is an entry in ClinVar:

ClinVar aggregate classification (germline): Uncertain significance. Review status: criteria provided, multiple submitters, no conflicts (2 of 4 stars). 2 submissions from 2 submitters: Uncertain significance (2). Last evaluated 2024-04-25.

Conditions:
Hypertrophic cardiomyopathy 9. Also called: Familial hypertrophic cardiomyopathy 9. Identifiers: MedGen C1861065, MONDO:0013412, OMIM 613765.
Cardiovascular phenotype. Identifiers: MedGen CN230736.

Allele frequency attached by ClinVar (database versions not stated): gnomAD exomes below 0.00001; TOPMed below 0.00001; gnomAD 0.00001.
gnomAD v4.1: 3 of 1,535,404 alleles (0.0002%); highest among the groups gnomAD compares: Non-Finnish European, 0.00017%; no homozygotes.

Submissions (2):

Institute of Immunology and Genetics Kaiserslautern
Classification: Uncertain significance for Hypertrophic cardiomyopathy 9. Last evaluated: 2024-04-25. Review status: criteria provided, single submitter. Criteria: ACMG Guidelines, 2015. Collection method: clinical testing. Allele origin: germline. Affected: yes.
Comment: ACMG Criteria: PM2, PP3, PVS1_M; Variant was found in heterozygous state

Ambry Genetics
Classification: Uncertain significance for Cardiovascular phenotype. Last evaluated: 2019-12-17. Review status: criteria provided, single submitter. Criteria: Ambry Variant Classification Scheme 2023. Collection method: clinical testing. Allele origin: germline.
Comment: The c.72670+2T>C intronic variant results from a T to C substitution two nucleotides after coding exon 182 in the TTN gene. Coding exon 182 is located in the A-band region of the N2-B isoform of the titin protein and is constitutively expressed in TTN transcripts (percent spliced in or PSI 100%). This variant (referred to as c.94942+2T>C) has been detected in an individual from a control cohort not known to have cardiomyopathy (Herman DS et al. N. Engl. J. Med., 2012 Feb;366:619-28). This nucleotide position is highly conserved in available vertebrate species. Using the BDGP and ESEfinder splice site prediction tools, this alteration is predicted to abolish the native splice donor site; however, direct evidence is unavailable. Alterations that disrupt the canonical splice site are expected to cause aberrant splicing and often result in a transcript encoding a truncated protein. However, one of the predicted consequences of this alteration would be skipping of coding exon 182, leading to an in-frame deletion that may not result in protein truncation. Truncating variants in the A-band of titin are the most common cause of dilated cardiomyopathy (DCM), and, regardless of their position, truncating variants encoded in constitutive exons (PSI >90%) have been found to be significantly associated with DCM (Herman DS et al. N. Engl. J. Med. 2012;366:619-28; Roberts AM et al. Sci Transl Med. 2015;7:270ra6; Schafer S et al. Nat. Genet. 2017;49:46-53). However, TTN truncating variants have also been reported in 1-3% of the general population (Herman DS et al. N. Engl. J. Med. 2012;366:619-28). Since the exact splicing impact of this alteration is unknown and supporting evidence is limited at this time, the clinical significance of this alteration remains unclear.

Literature cited by the submitters: PubMed 22335739 (cited by Ambry Genetics).

NM_001267550.2(TTN):c.99865+2T>C

Genes: TTN (titin; minus strand), TTN-AS1 (TTN antisense RNA 1; plus strand), LOC126806420 (BRD4-independent group 4 enhancer GRCh37_chr2:179401104-179402303; plus strand). Cytogenetic location: 2q31.2.
Variant type: single nucleotide variant.
Coding change: c.99865+2T>C on transcript NM_001267550.2 (MANE Select); the canonical splice donor site of the intron after coding-DNA position 99865, T replaced by C.
Molecular consequence: splice donor variant.
Genome position (GRCh38, 1-based): chr2:178,537,340, A>G on the plus strand (T>C on the coding strand, the complement: TTN is on the minus strand). VCF-style: chr2-178537340-A-G. GRCh37 (hg19) VCF-style: chr2-179402067-A-G.
Other names: c.72670+2T>C (NM_003319.4); c.73246+2T>C (NM_133437.4); c.73045+2T>C (NM_133432.3); c.92161+2T>C (NM_133378.4); c.94942+2T>C (NM_001256850.1).
Identifiers: ClinVar variation 1757982 (VCV001757982.3), dbSNP rs1453570860, ClinGen allele CA349427279.